The following is an entry in ClinVar:

ClinVar aggregate classification (germline): Benign. Review status: criteria provided, multiple submitters, no conflicts (2 of 4 stars). 2 submissions from 2 submitters: Benign (2). Last evaluated 2026-02-01.

Conditions:
Posterior polymorphous corneal dystrophy. Also called: CORNEAL DYSTROPHY, HEREDITARY POLYMORPHOUS POSTERIOR; Polymorphous corneal dystrophy. Identifiers: Orphanet 98973, MedGen C0339284, MONDO:0020364, HP:0007915.

Allele frequency attached by ClinVar (database versions not stated): gnomAD exomes 0.00012 and 0.00062; TOPMed 0.00028; gnomAD 0.00029 and 0.00037; ExAC 0.00056; 1000 Genomes Project 30x 0.00125; 1000 Genomes Project 0.00140.
gnomAD v4.1: 244 of 1,614,090 alleles (0.015%); highest among the groups gnomAD compares: East Asian, 0.46%; 1 homozygote.

Submissions (2):

Labcorp Genetics (formerly Invitae), Labcorp
Classification: Benign. Last evaluated: 2026-02-01. Review status: criteria provided, single submitter. Criteria: Invitae Variant Classification Sherloc (09022015). Collection method: clinical testing. Allele origin: germline.

Illumina Laboratory Services, Illumina
Classification: Benign for Polymorphous corneal dystrophy. Last evaluated: 2018-01-12. Review status: criteria provided, single submitter. Criteria: ICSL Variant Classification Criteria 13 December 2019. Collection method: clinical testing. Allele origin: germline.
Comment: This variant was observed in the ICSL laboratory as part of a predisposition screen in an ostensibly healthy population. It had not been previously curated by ICSL or reported in the Human Gene Mutation Database (HGMD: prior to June 1st, 2018), and was therefore a candidate for classification through an automated scoring system. Utilizing variant allele frequency, disease prevalence and penetrance estimates, and inheritance mode, an automated score was calculated to assess if this variant is too frequent to cause the disease. Based on the score and internal cut-off values, a variant classified as benign is not then subjected to further curation. The score for this variant resulted in a classification of benign for this disease.

NM_014588.6(VSX1):c.528G>A (p.Leu176=)

Gene: VSX1 (visual system homeobox 1; minus strand). Cytogenetic location: 20p11.21.
Variant type: single nucleotide variant.
Coding change: c.528G>A on transcript NM_014588.6 (MANE Select); coding-DNA position 528, G replaced by A.
Protein change: p.Leu176=; no amino-acid change (leucine 176 retained).
Molecular consequence: synonymous variant. On other transcripts: non-coding transcript variant (3).
Genome position (GRCh38, 1-based): chr20:25,078,928, C>T on the plus strand (G>A on the coding strand, the complement: VSX1 is on the minus strand). VCF-style: chr20-25078928-C-T. GRCh37 (hg19) VCF-style: chr20-25059564-C-T.
Other names: c.528G>A, p.Leu176= (NM_001256271.2, NM_001256272.2, NM_199425.3).
Identifiers: ClinVar variation 337960 (VCV000337960.9), dbSNP rs143099682, ClinGen allele CA9793593.